The following is an entry in ClinVar:

ClinVar aggregate classification (germline): Uncertain significance (1 of 4 stars; one submission).

Conditions:
Polyglandular autoimmune syndrome, type 1 (APS1). Also called: APS I; Autoimmune polyendocrine syndrome type 1; HYPOADRENOCORTICISM WITH HYPOPARATHYROIDISM AND SUPERFICIAL MONILIASIS; PGA I; Whitaker syndrome; AUTOIMMUNE POLYENDOCRINE SYNDROME, TYPE I, WITH OR WITHOUT REVERSIBLE METAPHYSEAL DYSPLASIA. Identifiers: Orphanet 3453, MedGen C0085859, MONDO:0009411, OMIM 240300.

Submission:

Myriad Genetics, Inc.
Classification: Uncertain significance for Polyglandular autoimmune syndrome, type 1. Last evaluated: 2026-02-19. Review status: criteria provided, single submitter. Criteria: Myriad Autosomal Dominant, Autosomal Recessive and X-Linked Classification Criteria (2023). Collection method: clinical testing. Allele origin: unknown.
Comment: NM_000383.3(AIRE):c.870_875dup6(Q290_L291dup) is an in-frame insertion classified as a variant of uncertain significance in the context of autoimmune polyglandular syndrome type 1. Q290_L291dup has not been observed in cases with relevant disease. Relevant functional assessments of this variant are not available in the literature. Q290_L291dup has not been observed in referenced population frequency databases. In summary, there is insufficient evidence to classify NM_000383.3(AIRE):c.870_875dup6(Q290_L291dup) as pathogenic or benign. Please note: this variant was assessed in the context of healthy population screening.

NM_000383.4(AIRE):c.870_875dup (p.Leu291_His292insGlnLeu)

Gene: AIRE (autoimmune regulator; plus strand). Cytogenetic location: 21q22.3.
Variant type: Duplication.
Coding change: c.870_875dup on transcript NM_000383.4 (MANE Select); coding-DNA positions 870 to 875, 6 bases duplicated (GCTCCA; older notation c.870_875dupGCTCCA).
Protein change: p.Leu291_His292insGlnLeu.
Molecular consequence: inframe insertion.
Genome position (GRCh38, 1-based): chr21:44,290,059-44,290,064, GCTCCA duplicated; duplicating any 6 consecutive bases within chr21:44,290,056-44,290,064 gives the same sequence; the c. name uses the placement nearest the transcript's 3' end. VCF-style (leftmost placement, unchanged base first): chr21-44290055-C-CCCAGCT. GRCh37 (hg19) VCF-style: chr21-45709938-C-CCCAGCT.
Identifiers: ClinVar variation 5004481 (VCV005004481.1).